The following is an entry in ClinVar:

NM_000548.5(TSC2):c.1017C>G (p.Val339=)

Gene: TSC2 (TSC complex subunit 2; plus strand). Cytogenetic location: 16p13.3.
Variant type: single nucleotide variant.
Coding change: c.1017C>G on transcript NM_000548.5 (MANE Select); coding-DNA position 1017, C replaced by G.
Protein change: p.Val339=; no amino-acid change (valine 339 retained).
Molecular consequence: synonymous variant. On other transcripts: 5 prime UTR variant (10), non-coding transcript variant (5).
Genome position (GRCh38, 1-based): chr16:2,060,711, C>G. VCF-style: chr16-2060711-C-G. GRCh37 (hg19) VCF-style: chr16-2110712-C-G.
Other names: c.1017C>G, p.Val339= (NM_001077183.3, NM_001114382.3, NM_001363528.2 and 6 more transcripts); c.906C>G, p.Val302= (NM_001318827.2, NM_001406670.1, NM_001406678.1); c.870C>G, p.Val290= (NM_001318829.2, NM_001406675.1, NM_001406676.1 and 1 more transcripts); c.417C>G, p.Val139= (NM_001318831.2, NM_001406680.1, NM_001406682.1 and 6 more transcripts); c.1050C>G, p.Val350= (NM_001318832.2); c.1107C>G, p.Val369= (NM_001406667.1, NM_001406668.1); c.1005C>G, p.Val335= (NM_001406671.1, NM_001406673.1); c.960C>G, p.Val320= (NM_001406677.1); and 4 more.
Identifiers: ClinVar variation 3069559 (VCV003069559.3), dbSNP rs1327205698, ClinGen allele CA492960708.

ClinVar aggregate classification (germline): Benign/Likely benign. Review status: criteria provided, multiple submitters, no conflicts (2 of 4 stars). 3 submissions from 3 submitters: Benign (1); Likely benign (2). Last evaluated 2025-11-30.

Conditions:
Tuberous sclerosis syndrome (TSC). Also called: Tuberous sclerosis; Tuberous Sclerosis Complex. Identifiers: Orphanet 805, MedGen C0041341, MONDO:0001734.
Tuberous sclerosis 2 (TSC2). Identifiers: Orphanet 805, MedGen C1860707, MONDO:0013199, OMIM 613254.
Hereditary cancer-predisposing syndrome. Also called: Neoplastic Syndromes, Hereditary; Tumor predisposition; Hereditary neoplastic syndrome; Hereditary Cancer Syndrome. Identifiers: Orphanet 140162, MedGen C0027672, MeSH D009386, MONDO:0015356.

Submissions (3):

Ambry Genetics
Classification: Likely benign for Hereditary cancer-predisposing syndrome. Last evaluated: 2025-11-30. Review status: criteria provided, single submitter. Criteria: Ambry Variant Classification Scheme 2023. Collection method: clinical testing. Allele origin: germline.

Myriad Genetics, Inc.
Classification: Benign for Tuberous sclerosis 2. Last evaluated: 2025-05-13. Review status: criteria provided, single submitter. Criteria: Myriad Autosomal Dominant, Autosomal Recessive and X-Linked Classification Criteria (2023). Collection method: clinical testing. Allele origin: unknown.
Comment: This variant is considered benign. This variant is a silent/synonymous amino acid change and it is not expected to impact splicing.

All of Us Research Program, National Institutes of Health
Classification: Likely benign for Tuberous sclerosis syndrome. Last evaluated: 2023-02-24. Review status: criteria provided, single submitter. Criteria: ACMG Guidelines, 2015. Collection method: clinical testing. Allele origin: germline. Inheritance: Autosomal dominant inheritance. Observed: 1 variant allele, 1 heterozygote.
Comment: This study involves interpretation of variants in research participants for the purpose of population health screening. Participant phenotype was not available at the time of variant classification. Additional details can be found in publication PMID: 35346344, PMCID: PMC8962531